The following is an entry in ClinVar:

NM_001371986.1(UNC80):c.3845T>C (p.Ile1282Thr)

Gene: UNC80 (unc-80 subunit of NALCN channel complex; plus strand). Cytogenetic location: 2q34.
Variant type: single nucleotide variant.
Coding change: c.3845T>C on transcript NM_001371986.1 (MANE Select); coding-DNA position 3845, T replaced by C.
Protein change: p.Ile1282Thr; replaces isoleucine 1282 with threonine.
Molecular consequence: missense variant.
Genome position (GRCh38, 1-based): chr2:209,877,958, T>C. VCF-style: chr2-209877958-T-C. GRCh37 (hg19) VCF-style: chr2-210742682-T-C.
Other names: c.3851T>C (NM_032504.1); c.3851T>C, p.Ile1284Thr (NM_032504.2); c.3836T>C, p.Ile1279Thr (NM_182587.4); short protein forms I1282T, I1279T, I1284T.
Identifiers: ClinVar variation 1991420 (VCV001991420.4), dbSNP rs761876248, ClinGen allele CA2083159.

ClinVar aggregate classification (germline): Uncertain significance. Review status: criteria provided, multiple submitters, no conflicts (2 of 4 stars). 4 submissions from 4 submitters: Uncertain significance (4). Last evaluated 2025-07-14.

Conditions:
UNC80-related disorder. Also called: UNC80-related condition.
Inborn genetic diseases. Identifiers: MedGen C0950123, MeSH D030342.

Allele frequency attached by ClinVar (database versions not stated): gnomAD exomes 0.00001; gnomAD 0.00003; ExAC 0.00005; TOPMed 0.00005.

Submissions (4):

PreventionGenetics, part of Exact Sciences
Classification: Uncertain significance for UNC80-related condition. Last evaluated: 2025-07-14. Review status: criteria provided, single submitter. Criteria: ACMG Guidelines, 2015. Collection method: clinical testing. Allele origin: germline.
Comment: The UNC80 c.3851T>C variant is predicted to result in the amino acid substitution p.Ile1284Thr. To our knowledge, this variant has not been reported in the literature. This variant is reported in 0.040% of alleles in individuals of African descent in gnomAD. At this time, the clinical significance of this variant is uncertain due to the absence of conclusive functional and genetic evidence.

Ambry Genetics
Classification: Uncertain significance for Inborn genetic diseases. Last evaluated: 2025-01-24. Review status: criteria provided, single submitter. Criteria: Ambry Variant Classification Scheme 2023. Collection method: clinical testing. Allele origin: germline.

Blueprint Genetics
Classification: Uncertain significance. Last evaluated: 2023-11-20. Review status: criteria provided, single submitter. Criteria: ACMG Guidelines, 2015. Collection method: clinical testing. Allele origin: germline.

Labcorp Genetics (formerly Invitae), Labcorp
Classification: Uncertain significance. Last evaluated: 2022-08-20. Review status: criteria provided, single submitter. Criteria: Invitae Variant Classification Sherloc (09022015). Collection method: clinical testing. Allele origin: germline.
Comment: This sequence change replaces isoleucine, which is neutral and non-polar, with threonine, which is neutral and polar, at codon 1284 of the UNC80 protein (p.Ile1284Thr). This variant is present in population databases (rs761876248, gnomAD 0.01%). This variant has not been reported in the literature in individuals affected with UNC80-related conditions. Algorithms developed to predict the effect of missense changes on protein structure and function are either unavailable or do not agree on the potential impact of this missense change (SIFT: "Not Available"; PolyPhen-2: "Probably Damaging"; Align-GVGD: "Not Available"). In summary, the available evidence is currently insufficient to determine the role of this variant in disease. Therefore, it has been classified as a Variant of Uncertain Significance.